The following is an entry in ClinVar:

ClinVar aggregate classification (germline): Uncertain significance (1 of 4 stars; one submission).

Submission:

Labcorp Genetics (formerly Invitae), Labcorp
Classification: Uncertain significance. Last evaluated: 2024-12-19. Review status: criteria provided, single submitter. Criteria: Invitae Variant Classification Sherloc (09022015). Collection method: clinical testing. Allele origin: germline.
Comment: This sequence change replaces glutamine, which is neutral and polar, with histidine, which is basic and polar, at codon 1233 of the DOCK6 protein (p.Gln1233His). This variant is not present in population databases (gnomAD no frequency). This variant has not been reported in the literature in individuals affected with DOCK6-related conditions. Invitae Evidence Modeling of protein sequence and biophysical properties (such as structural, functional, and spatial information, amino acid conservation, physicochemical variation, residue mobility, and thermodynamic stability) indicates that this missense variant is not expected to disrupt DOCK6 protein function with a negative predictive value of 80%. In summary, the available evidence is currently insufficient to determine the role of this variant in disease. Therefore, it has been classified as a Variant of Uncertain Significance.

NM_020812.4(DOCK6):c.3699G>T (p.Gln1233His)

Genes: DOCK6 (dedicator of cytokinesis 6; minus strand), DOCK6-AS1 (DOCK6 antisense RNA 1; plus strand). Cytogenetic location: 19p13.2.
Variant type: single nucleotide variant.
Coding change: c.3699G>T on transcript NM_020812.4 (MANE Select); coding-DNA position 3699, G replaced by T.
Protein change: p.Gln1233His; replaces glutamine 1233 with histidine.
Molecular consequence: missense variant.
Genome position (GRCh38, 1-based): chr19:11,217,243, C>A on the plus strand (G>T on the coding strand, the complement: DOCK6 is on the minus strand). VCF-style: chr19-11217243-C-A. GRCh37 (hg19) VCF-style: chr19-11327919-C-A.
Other names: c.3804G>T, p.Gln1268His (NM_001367830.1); short protein forms Q1233H, Q1268H.
Identifiers: ClinVar variation 3679514 (VCV003679514.2).